The following is an entry in ClinVar:

ClinVar aggregate classification (germline): Likely benign (1 of 4 stars; one submission).

Conditions:
PLS1-related disorder. Also called: PLS1-related condition.

gnomAD v4.1: 34 of 1,602,256 alleles (0.0021%); highest among the groups gnomAD compares: East Asian, 0.04%; no homozygotes.

Submission:

PreventionGenetics, part of Exact Sciences
Classification: Likely benign for PLS1-related condition. Last evaluated: 2024-11-26. Review status: criteria provided, single submitter. Criteria: ACMG Guidelines, 2015. Collection method: clinical testing. Allele origin: germline.
Comment: This variant is classified as likely benign based on ACMG/AMP sequence variant interpretation guidelines (Richards et al. 2015 PMID: 25741868, with internal and published modifications).

NM_001145319.2(PLS1):c.1527G>A (p.Ser509=)

Gene: PLS1 (plastin 1; plus strand). Cytogenetic location: 3q23.
Variant type: single nucleotide variant.
Coding change: c.1527G>A on transcript NM_001145319.2 (MANE Select); coding-DNA position 1527, G replaced by A.
Protein change: p.Ser509=; no amino-acid change (serine 509 retained).
Molecular consequence: synonymous variant.
Genome position (GRCh38, 1-based): chr3:142,704,484, G>A. VCF-style: chr3-142704484-G-A. GRCh37 (hg19) VCF-style: chr3-142423326-G-A.
Other names: c.1527G>A, p.Ser509= (NM_001172312.2, NM_002670.3).
Identifiers: ClinVar variation 4979473 (VCV004979473.1).